The following is an entry in ClinVar:

ClinVar aggregate classification (germline): Uncertain significance. Review status: criteria provided, multiple submitters, no conflicts (2 of 4 stars). 2 submissions from 2 submitters: Uncertain significance (2). Last evaluated 2025-10-14.

Conditions:
Tuberous sclerosis 2 (TSC2). Identifiers: Orphanet 805, MedGen C1860707, MONDO:0013199, OMIM 613254.
Hereditary cancer-predisposing syndrome. Also called: Hereditary neoplastic syndrome; Tumor predisposition; Neoplastic Syndromes, Hereditary; Hereditary Cancer Syndrome. Identifiers: Orphanet 140162, MedGen C0027672, MeSH D009386, MONDO:0015356.

Submissions (2):

Ambry Genetics
Classification: Uncertain significance for Hereditary cancer-predisposing syndrome. Last evaluated: 2025-10-14. Review status: criteria provided, single submitter. Criteria: Ambry Variant Classification Scheme 2023. Collection method: clinical testing. Allele origin: germline.
Comment: The p.N1233I variant (also known as c.3698A>T), located in coding exon 30 of the TSC2 gene, results from an A to T substitution at nucleotide position 3698. The asparagine at codon 1233 is replaced by isoleucine, an amino acid with dissimilar properties. This amino acid position is conserved. In addition, this alteration is predicted to be deleterious by in silico analysis. Based on the available evidence, the clinical significance of this variant remains unclear.

Labcorp Genetics (formerly Invitae), Labcorp
Classification: Uncertain significance for Tuberous sclerosis 2. Last evaluated: 2021-10-13. Review status: criteria provided, single submitter. Criteria: Invitae Variant Classification Sherloc (09022015). Collection method: clinical testing. Allele origin: germline.
Comment: In summary, the available evidence is currently insufficient to determine the role of this variant in disease. Therefore, it has been classified as a Variant of Uncertain Significance. Advanced modeling of protein sequence and biophysical properties (such as structural, functional, and spatial information, amino acid conservation, physicochemical variation, residue mobility, and thermodynamic stability) performed at Invitae indicates that this missense variant is not expected to disrupt TSC2 protein function. This variant has not been reported in the literature in individuals affected with TSC2-related conditions. This variant is not present in population databases (ExAC no frequency). This sequence change replaces asparagine with isoleucine at codon 1233 of the TSC2 protein (p.Asn1233Ile). The asparagine residue is moderately conserved and there is a large physicochemical difference between asparagine and isoleucine.

NM_000548.5(TSC2):c.3698A>T (p.Asn1233Ile)

Gene: TSC2 (TSC complex subunit 2; plus strand). Cytogenetic location: 16p13.3.
Variant type: single nucleotide variant.
Coding change: c.3698A>T on transcript NM_000548.5 (MANE Select); coding-DNA position 3698, A replaced by T.
Protein change: p.Asn1233Ile; replaces asparagine 1233 with isoleucine.
Molecular consequence: missense variant.
Genome position (GRCh38, 1-based): chr16:2,081,682, A>T. VCF-style: chr16-2081682-A-T. GRCh37 (hg19) VCF-style: chr16-2131683-A-T.
Other names: c.3566A>T, p.Asn1189Ile (NM_001077183.3, NM_001370404.1); c.3698A>T, p.Asn1233Ile (NM_001114382.3); c.3458A>T, p.Asn1153Ile (NM_001318827.2); c.3422A>T, p.Asn1141Ile (NM_001318829.2); c.2966A>T, p.Asn989Ile (NM_001318831.2); c.3599A>T, p.Asn1200Ile (NM_001318832.2); c.3569A>T, p.Asn1190Ile (NM_001363528.2, NM_001370405.1, NM_021055.3); c.3698A>T (NM_000548.3); short protein forms N1153I, N1189I, N1141I, N1190I, N1200I, N989I, N1233I.
Identifiers: ClinVar variation 1481562 (VCV001481562.7), dbSNP rs1412376534, ClinGen allele CA394292543.
Genomic context (GRCh38, chr16:2,081,682, plus strand): 5'-AGAACCCGCTCAGCCCTTTCTCCTCGGACATCAACAACATGCCCCTGCAGGAGCTGTCTA[A>T]CGCCCTCATGGCGGCTGAGCGCTTCAAGGAGCACCGGGACACAGCCCTGTACAAGTCACT-3'
Protein context (NP_000539.2, residues 1223-1243): INNMPLQELS[Asn1233Ile]ALMAAERFKE